The following is an entry in ClinVar:

ClinVar aggregate classification (germline): Uncertain significance (1 of 4 stars; one submission).

Conditions:
Paroxysmal nonkinesigenic dyskinesia. Also called: Paroxysmal non-kinesigenic dyskinesia. Identifiers: Orphanet 98810, MedGen C1869117, MONDO:0700088.

gnomAD v4.1: 5 of 1,613,888 alleles (0.00031%); highest among the groups gnomAD compares: Non-Finnish European, 0.00042%; no homozygotes.

Submission:

Labcorp Genetics (formerly Invitae), Labcorp
Classification: Uncertain significance for Paroxysmal nonkinesigenic dyskinesia. Last evaluated: 2023-04-28. Review status: criteria provided, single submitter. Criteria: Invitae Variant Classification Sherloc (09022015). Collection method: clinical testing. Allele origin: germline.
Comment: Advanced modeling of protein sequence and biophysical properties (such as structural, functional, and spatial information, amino acid conservation, physicochemical variation, residue mobility, and thermodynamic stability) performed at Invitae indicates that this missense variant is not expected to disrupt PNKD protein function. In summary, the available evidence is currently insufficient to determine the role of this variant in disease. Therefore, it has been classified as a Variant of Uncertain Significance. ClinVar contains an entry for this variant (Variation ID: 1949391). This variant has not been reported in the literature in individuals affected with PNKD-related conditions. This variant is present in population databases (no rsID available, gnomAD 0.0009%). This sequence change replaces glutamine, which is neutral and polar, with glutamic acid, which is acidic and polar, at codon 139 of the PNKD protein (p.Gln139Glu).

NM_015488.5(PNKD):c.415C>G (p.Gln139Glu)

Genes: CATIP-AS2 (CATIP antisense RNA 2; minus strand), PNKD (PNKD metallo-beta-lactamase domain containing; plus strand). Cytogenetic location: 2q35.
Variant type: single nucleotide variant.
Coding change: c.415C>G on transcript NM_015488.5 (MANE Select); coding-DNA position 415, C replaced by G.
Protein change: p.Gln139Glu; replaces glutamine 139 with glutamic acid.
Molecular consequence: missense variant.
Genome position (GRCh38, 1-based): chr2:218,340,091, C>G. VCF-style: chr2-218340091-C-G. GRCh37 (hg19) VCF-style: chr2-219204814-C-G.
Other names: c.343C>G, p.Gln115Glu (NM_022572.5); short protein forms Q115E, Q139E.
Identifiers: ClinVar variation 1949391 (VCV001949391.5), dbSNP rs372675235, ClinGen allele CA65758991.